The following is an entry in ClinVar:

ClinVar aggregate classification (germline): Uncertain significance (1 of 4 stars; one submission).

Submission:

Labcorp Genetics (formerly Invitae), Labcorp
Classification: Uncertain significance. Last evaluated: 2025-03-30. Review status: criteria provided, single submitter. Criteria: Invitae Variant Classification Sherloc (09022015). Collection method: clinical testing. Allele origin: germline.
Comment: This sequence change replaces glutamine, which is neutral and polar, with lysine, which is basic and polar, at codon 631 of the ANKZF1 protein (p.Gln631Lys). This variant is present in population databases (rs370657320, gnomAD 0.01%). This variant has not been reported in the literature in individuals affected with ANKZF1-related conditions. An algorithm developed to predict the effect of missense changes on protein structure and function (PolyPhen-2) suggests that this variant is likely to be tolerated. In summary, the available evidence is currently insufficient to determine the role of this variant in disease. Therefore, it has been classified as a Variant of Uncertain Significance.

NM_018089.3(ANKZF1):c.1891C>A (p.Gln631Lys)

Gene: ANKZF1 (ankyrin repeat and zinc finger peptidyl tRNA hydrolase 1; plus strand). Cytogenetic location: 2q35.
Variant type: single nucleotide variant.
Coding change: c.1891C>A on transcript NM_018089.3 (MANE Select); coding-DNA position 1891, C replaced by A.
Protein change: p.Gln631Lys; replaces glutamine 631 with lysine.
Molecular consequence: missense variant.
Genome position (GRCh38, 1-based): chr2:219,235,795, C>A. VCF-style: chr2-219235795-C-A. GRCh37 (hg19) VCF-style: chr2-220100517-C-A.
Other names: c.1891C>A, p.Gln631Lys (NM_001042410.2); c.1261C>A, p.Gln421Lys (NM_001282792.2); short protein forms Q421K, Q631K.
Identifiers: ClinVar variation 3608620 (VCV003608620.2).